The following is an entry in ClinVar:

ClinVar aggregate classification (germline): Uncertain significance (1 of 4 stars; one submission).

Conditions:
Hereditary cancer-predisposing syndrome. Also called: Neoplastic Syndromes, Hereditary; Tumor predisposition; Hereditary neoplastic syndrome; Hereditary Cancer Syndrome. Identifiers: Orphanet 140162, MedGen C0027672, MeSH D009386, MONDO:0015356.

gnomAD v4.1: 1 of 1,614,058 alleles (0.000062%); highest among the groups gnomAD compares: Non-Finnish European, 0.000085%; no homozygotes.

Submission:

Ambry Genetics
Classification: Uncertain significance for Hereditary cancer-predisposing syndrome. Last evaluated: 2023-03-08. Review status: criteria provided, single submitter. Criteria: Ambry Variant Classification Scheme 2023. Collection method: clinical testing. Allele origin: germline.
Comment: The p.H457Q variant (also known as c.1371C>G), located in coding exon 6 of the BLM gene, results from a C to G substitution at nucleotide position 1371. The histidine at codon 457 is replaced by glutamine, an amino acid with highly similar properties. This amino acid position is conserved. In addition, this alteration is predicted to be tolerated by in silico analysis. Since supporting evidence is limited at this time, the clinical significance of this alteration remains unclear.

NM_000057.4(BLM):c.1371C>G (p.His457Gln)

Gene: BLM (BLM RecQ like helicase; plus strand). Cytogenetic location: 15q26.1.
Variant type: single nucleotide variant.
Coding change: c.1371C>G on transcript NM_000057.4 (MANE Select); coding-DNA position 1371, C replaced by G.
Protein change: p.His457Gln; replaces histidine 457 with glutamine.
Molecular consequence: missense variant.
Genome position (GRCh38, 1-based): chr15:90,760,744, C>G. VCF-style: chr15-90760744-C-G. GRCh37 (hg19) VCF-style: chr15-91303974-C-G.
Other names: c.1371C>G, p.His457Gln (NM_001287246.2, NM_001287247.2); c.246C>G, p.His82Gln (NM_001287248.2); short protein forms H82Q, H457Q.
Identifiers: ClinVar variation 2452578 (VCV002452578.2), dbSNP rs1225553532, ClinGen allele CA393842919.